The following is an entry in ClinVar:

ClinVar aggregate classification (germline): Pathogenic/Likely pathogenic. Review status: criteria provided, multiple submitters, no conflicts (2 of 4 stars). 4 submissions from 4 submitters: Pathogenic (1); Likely pathogenic (1). 2 of the submissions do not count toward it. Last evaluated 2024-05-06.

Conditions:
Bardet-Biedl syndrome (BBS). Identifiers: Orphanet 110, MedGen C0752166, MONDO:0015229.
Bardet-Biedl syndrome 7 (BBS7). Identifiers: Orphanet 110, MedGen C1859565, MONDO:0014435, OMIM 615984.

Submissions (4):

Fulgent Genetics
Classification: Likely pathogenic for Bardet-Biedl syndrome 7. Last evaluated: 2024-05-06. Review status: criteria provided, single submitter. Criteria: ACMG Guidelines, 2015. Collection method: clinical testing. Allele origin: germline.

Labcorp Genetics (formerly Invitae), Labcorp
Classification: Pathogenic for Bardet-Biedl syndrome. Last evaluated: 2022-11-29. Review status: criteria provided, single submitter. Criteria: Invitae Variant Classification Sherloc (09022015). Collection method: clinical testing. Allele origin: germline.
Comment: For these reasons, this variant has been classified as Pathogenic. ClinVar contains an entry for this variant (Variation ID: 30680). This variant is also known as 533del2aa. This variant has been observed in individual(s) with Bardet-Biedl syndrome (PMID: 21937992, 28761321). It has also been observed to segregate with disease in related individuals. This variant is present in population databases (rs587777836, gnomAD 0.01%). This variant, c.1592_1597del, results in the deletion of 2 amino acid(s) of the BBS7 protein (p.Val531_Pro532del), but otherwise preserves the integrity of the reading frame.

Dr.Nikuei Genetic Center
Classification: Pathogenic for Bardet-Biedl syndrome 7. Last evaluated: 2024-05-22. Review status: no assertion criteria provided. Collection method: clinical testing. Allele origin: germline. Affected: yes. Not counted in ClinVar's aggregate classification.

OMIM
Classification: Pathogenic for BARDET-BIEDL SYNDROME 7. Last evaluated: 2011-09-21. Review status: no assertion criteria provided. Collection method: literature only. Allele origin: germline. Not counted in ClinVar's aggregate classification.

Literature cited by the submitters: PubMed 21937992 (cited by Labcorp Genetics (formerly Invitae), Labcorp and OMIM); PubMed 28761321 (cited by Labcorp Genetics (formerly Invitae), Labcorp).

NM_176824.3(BBS7):c.1592_1597del (p.Val531_Pro532del)

Gene: BBS7 (Bardet-Biedl syndrome 7; minus strand). Cytogenetic location: 4q27.
Variant type: Deletion.
Coding change: c.1592_1597del on transcript NM_176824.3 (MANE Select); coding-DNA positions 1592 to 1597, 6 bases deleted (TTCCAG; older notation c.1592_1597delTTCCAG).
Protein change: p.Val531_Pro532del.
Molecular consequence: inframe deletion.
Genome position (GRCh38, 1-based): chr4:121,833,310-121,833,315, CTGGAA deleted on the plus strand (TTCCAG on the coding strand, the reverse complement: BBS7 is on the minus strand); deleting any 6 consecutive bases within chr4:121,833,310-121,833,317 gives the same sequence; the c. name uses the placement nearest the transcript's 3' end. VCF-style (leftmost placement, unchanged base first): chr4-121833309-TCTGGAA-T. GRCh37 (hg19) VCF-style: chr4-122754464-TCTGGAA-T.
Other names: c.1592_1597del, p.Val531_Pro532del (NM_018190.4).
Identifiers: ClinVar variation 30680 (VCV000030680.9), dbSNP rs587777836, ClinGen allele CA259892.